The following is an entry in ClinVar:

ClinVar aggregate classification (germline): Uncertain significance (1 of 4 stars; one submission).

Conditions:
Primary dilated cardiomyopathy (DCM). Also called: Dilated Cardiomyopathy. Identifiers: Orphanet 217604, MedGen C0007193, MeSH D002311, MONDO:0005021, HP:0001644. Inheritance: Various modes of inheritance.

Submission:

Cardiovascular Biomedical Research Unit, Royal Brompton & Harefield NHS Foundation Trust
Classification: Uncertain significance for Primary dilated cardiomyopathy. Last evaluated: 2014-10-08. Review status: criteria provided, single submitter. Criteria: Roberts et al. 2015. Collection method: research. Allele origin: germline. Inheritance: Autosomal dominant inheritance. Affected: yes. Observed: 1 variant allele. Study: Endstage DCM.
Comment: It affects only the Novex-3 isoform, which does not span the sarcomere and has not been implicated in DCM. In the seven cohorts assessed, TTNtv were found in 14% of ambulant DCM, 22% end-stage or familial DCM, and 2% controls. Heterozygous nonsense, frameshift and canonical splice-disrupting variants found in constitutive and other highly utilised exons are highly likely to be pathogenic when identified in individuals with phenotypically confirmed DCM. TTNtv found incidentally in healthy individuals (excluding familial assessment of DCM relatives) are thought to have low penetrance, particularly when identified in exons that are not constitutively expressed in the heart.

NM_133379.5(TTN):c.14460_14470dup (p.Arg4824fs)

Genes: TTN (titin; minus strand), LOC126806432 (CDK7 strongly-dependent group 2 enhancer GRCh37_chr2:179611985-179613184; plus strand). Cytogenetic location: 2q31.2.
Variant type: Duplication.
Coding change: c.14460_14470dup on transcript NM_133379.5; coding-DNA positions 14460 to 14470, 11 bases duplicated (CACACTCCATA).
Protein change: p.Arg4824fs; shifts the reading frame from arginine 4824.
Molecular consequence: frameshift variant. On other transcripts: intron variant (6).
Genome position (GRCh38, 1-based): chr2:178,747,930-178,747,940, TATGGAGTGTG duplicated on the plus strand (CACACTCCATA on the coding strand, the reverse complement: TTN is on the minus strand); duplicating any 11 consecutive bases within chr2:178,747,930-178,747,941 gives the same sequence; the c. name uses the placement nearest the transcript's 3' end. VCF-style (leftmost placement, unchanged base first): chr2-178747929-C-CTATGGAGTGTG. GRCh37 (hg19) VCF-style: chr2-179612656-C-CTATGGAGTGTG.
Other names: c.10222+5184_10222+5194dup (NM_003319.4); c.10798+5184_10798+5194dup (NM_133437.4); c.10597+5184_10597+5194dup (NM_133432.3); c.10360+5184_10360+5194dup (NM_133378.4, NM_001256850.1); c.11311+5184_11311+5194dup (NM_001267550.2); c.14460_14470dup (LRG_391t2); short protein forms R4824fs.
Identifiers: ClinVar variation 223332 (VCV000223332.1), dbSNP rs869312088, ClinGen allele CA353399.